The following is an entry in ClinVar:

ClinVar aggregate classification (germline): Benign. Review status: criteria provided, multiple submitters, no conflicts (2 of 4 stars). 2 submissions from 2 submitters: Benign (2). Last evaluated 2018-06-14.

Allele frequency attached by ClinVar (database versions not stated): gnomAD 0.08502 and 0.08320; 1000 Genomes Project 0.04433; 1000 Genomes Project 30x 0.04482; TOPMed 0.07980.
gnomAD v4.1: 57,895 of 597,386 alleles (9.7%); highest among the groups gnomAD compares: Non-Finnish European, 13%; 3,555 homozygotes.

Submissions (2):

GeneDx
Classification: Benign. Last evaluated: 2018-06-14. Review status: criteria provided, single submitter. Criteria: GeneDx Variant Classification (06012015). Collection method: clinical testing. Allele origin: germline. Affected: yes.
Comment: This variant is considered likely benign or benign based on one or more of the following criteria: it is a conservative change, it occurs at a poorly conserved position in the protein, it is predicted to be benign by multiple in silico algorithms, and/or has population frequency not consistent with disease.

Breakthrough Genomics
Classification: Benign. Review status: criteria provided, single submitter. Criteria: ACMG Guidelines, 2015. Collection method: not provided. Allele origin: germline. Inheritance: Autosomal dominant inheritance. Affected: yes.

NM_001042492.3(NF1):c.888+263C>T

Gene: NF1 (neurofibromin 1; plus strand). Cytogenetic location: 17q11.2.
Variant type: single nucleotide variant.
Coding change: c.888+263C>T on transcript NM_001042492.3 (MANE Select); 263 bases into the intron after coding-DNA position 888, C replaced by T.
Molecular consequence: intron variant.
Genome position (GRCh38, 1-based): chr17:31,182,928, C>T. VCF-style: chr17-31182928-C-T. GRCh37 (hg19) VCF-style: chr17-29509946-C-T.
Other names: c.888+263C>T (NM_000267.4, NM_001128147.3).
Identifiers: ClinVar variation 561765 (VCV000561765.2), dbSNP rs17885309, ClinGen allele CA14447403.